The following is an entry in ClinVar:

NM_001378457.1(DMXL2):c.1243T>G (p.Ser415Ala)

Gene: DMXL2 (Dmx like 2; minus strand). Cytogenetic location: 15q21.2.
Variant type: single nucleotide variant.
Coding change: c.1243T>G on transcript NM_001378457.1 (MANE Select); coding-DNA position 1243, T replaced by G.
Protein change: p.Ser415Ala; replaces serine 415 with alanine.
Molecular consequence: missense variant. On other transcripts: non-coding transcript variant (2), intron variant (1).
Genome position (GRCh38, 1-based): chr15:51,538,315, A>C on the plus strand (T>G on the coding strand, the complement: DMXL2 is on the minus strand). VCF-style: chr15-51538315-A-C. GRCh37 (hg19) VCF-style: chr15-51830512-A-C.
Other names: c.1243T>G, p.Ser415Ala (NM_001174116.3, NM_001174117.3, NM_001378458.1 and 6 more transcripts); c.1106-556T>G (NM_001378464.1); c.1243T>G (NM_001174116.1); short protein forms S415A.
Identifiers: ClinVar variation 2176300 (VCV002176300.6), dbSNP rs372053589, ClinGen allele CA7562634.

ClinVar aggregate classification (germline): Uncertain significance. Review status: criteria provided, multiple submitters, no conflicts (2 of 4 stars). 3 submissions from 3 submitters: Uncertain significance (3). Last evaluated 2026-01-12.

Conditions:
Inborn genetic diseases. Identifiers: MedGen C0950123, MeSH D030342.
DMXL2-related disorder. Also called: DMXL2-related condition.

Allele frequency attached by ClinVar (database versions not stated): gnomAD exomes 0.00001; ExAC 0.00003; ESP Exome Variant Server 0.00008; TOPMed 0.00011; gnomAD 0.00012.
gnomAD v4.1: 31 of 1,613,812 alleles (0.0019%); highest among the groups gnomAD compares: African/African-American, 0.041%; no homozygotes.

Submissions (3):

Labcorp Genetics (formerly Invitae), Labcorp
Classification: Uncertain significance. Last evaluated: 2026-01-12. Review status: criteria provided, single submitter. Criteria: Invitae Variant Classification Sherloc (09022015). Collection method: clinical testing. Allele origin: germline.
Comment: This sequence change replaces serine, which is neutral and polar, with alanine, which is neutral and non-polar, at codon 415 of the DMXL2 protein (p.Ser415Ala). This variant is present in population databases (rs372053589, gnomAD 0.04%). This variant has not been reported in the literature in individuals affected with DMXL2-related conditions. ClinVar contains an entry for this variant (Variation ID: 2176300). An algorithm developed to predict the effect of missense changes on protein structure and function outputs the following: PolyPhen-2: "Benign". The alanine amino acid residue is found in multiple mammalian species, which suggests that this missense change does not adversely affect protein function. In summary, the available evidence is currently insufficient to determine the role of this variant in disease. Therefore, it has been classified as a Variant of Uncertain Significance.

PreventionGenetics, part of Exact Sciences
Classification: Uncertain significance for DMXL2-related condition. Last evaluated: 2025-03-05. Review status: criteria provided, single submitter. Criteria: ACMG Guidelines, 2015. Collection method: clinical testing. Allele origin: germline.
Comment: The DMXL2 c.1243T>G variant is predicted to result in the amino acid substitution p.Ser415Ala. To our knowledge, this variant has not been reported in the literature. This variant is reported in 0.044% of alleles in individuals of African descent in gnomAD. At this time, the clinical significance of this variant is uncertain due to the absence of conclusive functional and genetic evidence.

Ambry Genetics
Classification: Uncertain significance for Inborn genetic diseases. Last evaluated: 2025-02-07. Review status: criteria provided, single submitter. Criteria: Ambry Variant Classification Scheme 2023. Collection method: clinical testing. Allele origin: germline.